The following is an entry in ClinVar:

ClinVar aggregate classification (germline): Uncertain significance. Review status: criteria provided, multiple submitters, no conflicts (2 of 4 stars). 2 submissions from 2 submitters: Uncertain significance (2). Last evaluated 2023-10-27.

Conditions:
Inborn genetic diseases. Identifiers: MedGen C0950123, MeSH D030342.

Allele frequency attached by ClinVar (database versions not stated): gnomAD exomes 0.00001 and 0.00002; TOPMed 0.00001; gnomAD 0.00002; ExAC 0.00003.
gnomAD v4.1: 17 of 1,613,910 alleles (0.0011%); highest among the groups gnomAD compares: Non-Finnish European, 0.0014%; no homozygotes.

Submissions (2):

Ambry Genetics
Classification: Uncertain significance for Inborn genetic diseases. Last evaluated: 2023-10-27. Review status: criteria provided, single submitter. Criteria: Ambry Variant Classification Scheme 2023. Collection method: clinical testing. Allele origin: germline.

Labcorp Genetics (formerly Invitae), Labcorp
Classification: Uncertain significance. Last evaluated: 2022-05-10. Review status: criteria provided, single submitter. Criteria: Invitae Variant Classification Sherloc (09022015). Collection method: clinical testing. Allele origin: germline.
Comment: This sequence change replaces arginine, which is basic and polar, with threonine, which is neutral and polar, at codon 148 of the RETREG1 protein (p.Arg148Thr). This variant is present in population databases (rs752534676, gnomAD 0.004%). This variant has not been reported in the literature in individuals affected with RETREG1-related conditions. ClinVar contains an entry for this variant (Variation ID: 573479). Algorithms developed to predict the effect of missense changes on protein structure and function are either unavailable or do not agree on the potential impact of this missense change (SIFT: "Deleterious"; PolyPhen-2: "Probably Damaging"; Align-GVGD: "Class C0"). In summary, the available evidence is currently insufficient to determine the role of this variant in disease. Therefore, it has been classified as a Variant of Uncertain Significance.

NM_001034850.3(RETREG1):c.443G>C (p.Arg148Thr)

Gene: RETREG1 (reticulophagy regulator 1; minus strand). Cytogenetic location: 5p15.1.
Variant type: single nucleotide variant.
Coding change: c.443G>C on transcript NM_001034850.3 (MANE Select); coding-DNA position 443, G replaced by C.
Protein change: p.Arg148Thr; replaces arginine 148 with threonine.
Molecular consequence: missense variant.
Genome position (GRCh38, 1-based): chr5:16,565,778, C>G on the plus strand (G>C on the coding strand, the complement: RETREG1 is on the minus strand). VCF-style: chr5-16565778-C-G. GRCh37 (hg19) VCF-style: chr5-16565887-C-G.
Other names: c.443G>C (NM_001034850.1); short protein forms R148T.
Identifiers: ClinVar variation 573479 (VCV000573479.9), dbSNP rs752534676, ClinGen allele CA3210466.
Genomic context (GRCh38, chr5:16,565,778, plus strand): 5'-TCACCCTCCCTCCATTAAGCACAACACGGAAAGAAAGTTCCCTACCTTTCACTGAGGCTT[C>G]TCCACAACTGTGCACCTGCAACAGGGAGAAGCAAAATGTGAAACTTAACAGAGGTATTTT-3'
Protein context (NP_001030022.1, residues 138-158): LSRTRGAQLW[Arg148Thr]SLSESWEVIN